The following is an entry in ClinVar:

NM_020549.5(CHAT):c.934-43G>A

Gene: CHAT (choline O-acetyltransferase; plus strand). Cytogenetic location: 10q11.23.
Variant type: single nucleotide variant.
Coding change: c.934-43G>A on transcript NM_020549.5 (MANE Select); 43 bases into the intron before coding-DNA position 934, G replaced by A.
Molecular consequence: intron variant.
Genome position (GRCh38, 1-based): chr10:49,627,565, G>A. VCF-style: chr10-49627565-G-A. GRCh37 (hg19) VCF-style: chr10-50835611-G-A.
Other names: c.580-43G>A (NM_020984.4, NM_020985.4, NM_020986.4 and 2 more transcripts); c.688-43G>A (NM_001142933.2).
Identifiers: ClinVar variation 678349 (VCV000678349.2), dbSNP rs56722599, ClinGen allele CA5497310.
Genomic context (GRCh38, chr10:49,627,565, plus strand): 5'-GGGCCTGAGCATCCCTGCCCCAAGCTTACCTGTGAAGGCTGAGTGAAGGCCTGGTGCCAC[G>A]GGCCACCCAACAAGTGACATGTTTGACCTGTTTACCCCACAGTTCTTTGTCTTGGATGTT-3'

ClinVar aggregate classification (germline): Benign. Review status: criteria provided, multiple submitters, no conflicts (2 of 4 stars). 2 submissions from 2 submitters: Benign (2). Last evaluated 2018-06-19.

Allele frequency attached by ClinVar (database versions not stated): gnomAD 0.02500 and 0.02652; ESP Exome Variant Server 0.02606; TOPMed 0.02681; 1000 Genomes Project 0.02995; 1000 Genomes Project 30x 0.02998.
gnomAD v4.1: 7,430 of 1,606,122 alleles (0.46%); highest among the groups gnomAD compares: African/African-American, 8.7%; 296 homozygotes.

Submissions (2):

GeneDx
Classification: Benign. Last evaluated: 2018-06-19. Review status: criteria provided, single submitter. Criteria: GeneDx Variant Classification (06012015). Collection method: clinical testing. Allele origin: germline. Affected: yes.
Comment: This variant is considered likely benign or benign based on one or more of the following criteria: it is a conservative change, it occurs at a poorly conserved position in the protein, it is predicted to be benign by multiple in silico algorithms, and/or has population frequency not consistent with disease.

Breakthrough Genomics
Classification: Benign. Review status: criteria provided, single submitter. Criteria: ACMG Guidelines, 2015. Collection method: not provided. Allele origin: germline. Inheritance: Autosomal recessive inheritance. Affected: yes.